The following is an entry in ClinVar:

ClinVar aggregate classification (germline): Benign (1 of 4 stars; one submission).

Conditions:
Familial cancer of breast. Also called: Hereditary breast cancer; hereditary breast carcinoma; BREAST CANCER, FAMILIAL. Identifiers: Orphanet 227535, MedGen C0346153, MONDO:0016419, OMIM 114480. Disease mechanism: loss of function.

Submission:

Myriad Genetics, Inc.
Classification: Benign for Familial cancer of breast. Last evaluated: 2025-01-22. Review status: criteria provided, single submitter. Criteria: Myriad Autosomal Dominant, Autosomal Recessive and X-Linked Classification Criteria (2023). Collection method: clinical testing. Allele origin: unknown.
Comment: This variant is considered benign. This variant is a silent/synonymous amino acid change and it is not expected to impact splicing.

NM_024675.4(PALB2):c.3267G>C (p.Val1089=)

Gene: PALB2 (partner and localizer of BRCA2; minus strand). Cytogenetic location: 16p12.2.
Variant type: single nucleotide variant.
Coding change: c.3267G>C on transcript NM_024675.4 (MANE Select); coding-DNA position 3267, G replaced by C.
Protein change: p.Val1089=; no amino-acid change (valine 1089 retained).
Molecular consequence: synonymous variant. On other transcripts: intron variant (8).
Genome position (GRCh38, 1-based): chr16:23,607,947, C>G on the plus strand (G>C on the coding strand, the complement: PALB2 is on the minus strand). VCF-style: chr16-23607947-C-G. GRCh37 (hg19) VCF-style: chr16-23619268-C-G.
Other names: c.3207G>C, p.Val1069= (NM_001407296.1); c.3195G>C, p.Val1065= (NM_001407297.1); c.3105G>C, p.Val1035= (NM_001407298.1); c.2988G>C, p.Val996= (NM_001407300.1); c.2382G>C, p.Val794= (NM_001407304.1, NM_001407305.1, NM_001407306.1); c.2220G>C, p.Val740= (NM_001407307.1); c.1479G>C, p.Val493= (NM_001407312.1); c.801G>C, p.Val267= (NM_001407314.1); and 6 more.
Identifiers: ClinVar variation 3904353 (VCV003904353.1).
Genomic context (GRCh38, chr16:23,607,947, plus strand): 5'-ACAGTACAGCATCACACCCACGCTGAGAGTCGTCTTAGGGTTAATCACAATGAGCTGAAA[C>G]ACAGGGCTTCGCAACGACTCACTCTCTTTGGCACAGGGATGACTCAGGACAATAAAGAGA-3'
Protein context (NP_078951.2, residues 1079-1099): AKESESLRSP[Val1089=]FQLIVINPKT